The following is an entry in ClinVar:

ClinVar aggregate classification (germline): Uncertain significance (1 of 4 stars; one submission).

Conditions:
Epidermolysis bullosa simplex 5B, with muscular dystrophy (EBS5B). Also called: EPIDERMOLYSIS BULLOSA SIMPLEX AND LIMB-GIRDLE MUSCULAR DYSTROPHY; Epidermolysis bullosa simplex with muscular dystrophy. Identifiers: Orphanet 257, MedGen C2931072, MONDO:0009181, OMIM 226670.
Epidermolysis bullosa simplex 5C, with pyloric atresia (EBS5C). Also called: Epidermolysis bullosa simplex with pyloric atresia; PLEC-Related Epidermolysis Bullosa with Pyloric Atresia; PLEC1-Related Epidermolysis Bullosa with Pyloric Atresia. Identifiers: Orphanet 158684, MedGen C2677349, MONDO:0012807, OMIM 612138.
Autosomal recessive limb-girdle muscular dystrophy type 2Q (LGMDR17). Also called: MUSCULAR DYSTROPHY, LIMB-GIRDLE, AUTOSOMAL RECESSIVE 17. Identifiers: Orphanet 254361, MedGen C3150989, MONDO:0013390, OMIM 613723.
Epidermolysis bullosa simplex with nail dystrophy (EBS5D). Identifiers: MedGen C4225309, MONDO:0014661, OMIM 616487.
Epidermolysis bullosa simplex, Ogna type (EBS5A). Also called: Pidermolysis bullosa simplex 5A, Ogna type; EPIDERMOLYSIS BULLOSA SIMPLEX 5A, OGNA TYPE. Identifiers: Orphanet 79401, MedGen C0432317, MONDO:0007555, OMIM 131950.

Submission:

Labcorp Genetics (formerly Invitae), Labcorp
Classification: Uncertain significance for Autosomal recessive limb-girdle muscular dystrophy type 2Q; Epidermolysis bullosa simplex, Ogna type; Epidermolysis bullosa simplex with nail dystrophy; Epidermolysis bullosa simplex 5C, with pyloric atresia; Epidermolysis bullosa simplex 5B, with muscular dystrophy. Last evaluated: 2021-08-10. Review status: criteria provided, single submitter. Criteria: Invitae Variant Classification Sherloc (09022015). Collection method: clinical testing. Allele origin: germline.
Comment: This sequence change replaces arginine with tryptophan at codon 1588 of the PLEC protein (p.Arg1588Trp). The arginine residue is highly conserved and there is a moderate physicochemical difference between arginine and tryptophan. The frequency data for this variant in the population databases is not available, as this variant may be reported as separate entries in the ExAC database. This variant has not been reported in the literature in individuals affected with PLEC-related conditions. Experimental studies and prediction algorithms are not available or were not evaluated, and the functional significance of this variant is currently unknown. In summary, the available evidence is currently insufficient to determine the role of this variant in disease. Therefore, it has been classified as a Variant of Uncertain Significance.

NM_201384.3(PLEC):c.4680_4681delinsAT (p.Arg1561Trp)

Gene: PLEC (plectin; minus strand). Cytogenetic location: 8q24.3.
Variant type: Indel.
Coding change: c.4680_4681delinsAT on transcript NM_201384.3 (MANE Select); coding-DNA positions 4680 to 4681, GC replaced by AT.
Protein change: p.Arg1561Trp; replaces arginine 1561 with tryptophan.
Molecular consequence: missense variant.
Genome position (GRCh38, 1-based): chr8:143,925,248-143,925,249, GC replaced by AT on the plus strand (GC replaced by AT on the coding strand, the reverse complement: PLEC is on the minus strand). VCF-style: chr8-143925248-GC-AT. GRCh37 (hg19) VCF-style: chr8-144999416-GC-AT.
Other names: c.4761_4762delinsAT, p.Arg1588Trp (NM_000445.5); c.4638_4639delinsAT, p.Arg1547Trp (NM_201378.4); c.4614_4615delinsAT, p.Arg1539Trp (NM_201379.3); c.5091_5092delinsAT, p.Arg1698Trp (NM_201380.4); c.4584_4585delinsAT, p.Arg1529Trp (NM_201381.3); c.4680_4681delinsAT, p.Arg1561Trp (NM_201382.4); c.4692_4693delinsAT, p.Arg1565Trp (NM_201383.3); short protein forms R1561W, R1529W, R1547W, R1565W, R1698W, R1539W, R1588W.
Identifiers: ClinVar variation 1441078 (VCV001441078.6), dbSNP rs2131465517, ClinGen allele CA2573142897.